The following is an entry in ClinVar:

NM_001080517.3(SETD5):c.551A>C (p.Lys184Thr)

Gene: SETD5 (SET domain containing 5; plus strand). Cytogenetic location: 3p25.3.
Variant type: single nucleotide variant.
Coding change: c.551A>C on transcript NM_001080517.3 (MANE Select); coding-DNA position 551, A replaced by C.
Protein change: p.Lys184Thr; replaces lysine 184 with threonine.
Molecular consequence: missense variant.
Genome position (GRCh38, 1-based): chr3:9,435,890, A>C. VCF-style: chr3-9435890-A-C. GRCh37 (hg19) VCF-style: chr3-9477574-A-C.
Other names: c.218A>C, p.Lys73Thr (NM_001292043.2, NM_001349451.2); short protein forms K73T, K184T.
Identifiers: ClinVar variation 3730883 (VCV003730883.1).

ClinVar aggregate classification (germline): Uncertain significance (1 of 4 stars; one submission).

Submission:

GeneDx
Classification: Uncertain significance. Last evaluated: 2024-08-12. Review status: criteria provided, single submitter. Criteria: GeneDx Variant Classification Process June 2021. Collection method: clinical testing. Allele origin: germline. Affected: yes.
Comment: Not observed at significant frequency in large population cohorts (gnomAD); In silico analysis supports that this missense variant has a deleterious effect on protein structure/function; Has not been previously published as pathogenic or benign to our knowledge